The following is an entry in ClinVar:

ClinVar aggregate classification (germline): Likely benign. Review status: criteria provided, multiple submitters, no conflicts (2 of 4 stars). 3 submissions from 3 submitters: Likely benign (3). Last evaluated 2022-09-14.

Conditions:
Autosomal dominant nonsyndromic hearing loss 17. Also called: Deafness, autosomal dominant 17; Autosomal dominant nonsyndromic deafness 17. Identifiers: Orphanet 90635, MedGen C1863659, MONDO:0011350, OMIM 603622.
Macrothrombocytopenia and granulocyte inclusions with or without nephritis or sensorineural hearing loss (MATINS). Also called: BLEEDING DISORDER, PLATELET-TYPE, 6; MAY-HEGGLIN ANOMALY; MYH9-Related Disease (MYH9-RD); DOHLE LEUKOCYTE INCLUSIONS WITH GIANT PLATELETS; SEBASTIAN PLATELET SYNDROME; MACROTHROMBOCYTOPENIA WITH DISPERSED LEUKOCYTIC INCLUSIONS. Identifiers: Orphanet 182050, MedGen C5200934, MONDO:0015912, OMIM 155100.

Allele frequency attached by ClinVar (database versions not stated): TOPMed 0.00002; ExAC 0.00003; 1000 Genomes Project 30x 0.00016; 1000 Genomes Project 0.00020.
gnomAD v4.1: 30 of 1,611,210 alleles (0.0019%); highest among the groups gnomAD compares: Middle Eastern, 0.033%; no homozygotes.

Submissions (3):

Labcorp Genetics (formerly Invitae), Labcorp
Classification: Likely benign. Last evaluated: 2022-09-14. Review status: criteria provided, single submitter. Criteria: Invitae Variant Classification Sherloc (09022015). Collection method: clinical testing. Allele origin: germline.

Fulgent Genetics
Classification: Likely benign for Macrothrombocytopenia and granulocyte inclusions with or without nephritis or sensorineural hearing loss; Autosomal dominant nonsyndromic hearing loss 17. Last evaluated: 2021-12-11. Review status: criteria provided, single submitter. Criteria: ACMG Guidelines, 2015. Collection method: clinical testing. Allele origin: unknown.

Laboratory for Molecular Medicine, Mass General Brigham Personalized Medicine
Classification: Likely benign. Last evaluated: 2014-10-07. Review status: criteria provided, single submitter. Criteria: LMM Criteria. Collection method: clinical testing. Allele origin: germline. Observed: 1 variant allele.
Comment: c.1843+12G>C in intron 15 of MYH9: This variant is not expected to have clinical significance because it is not located within the splice consensus sequence. It has been identified in 1/196 of Italian chromosomes by the 1000 Genomes Project (dbSNP rs150539764).

NM_002473.6(MYH9):c.1843+12G>C

Gene: MYH9 (myosin heavy chain 9; minus strand). Cytogenetic location: 22q12.3.
Variant type: single nucleotide variant.
Coding change: c.1843+12G>C on transcript NM_002473.6 (MANE Select); 12 bases into the intron after coding-DNA position 1843, G replaced by C.
Molecular consequence: intron variant.
Genome position (GRCh38, 1-based): chr22:36,309,270, C>G on the plus strand (G>C on the coding strand, the complement: MYH9 is on the minus strand). VCF-style: chr22-36309270-C-G. GRCh37 (hg19) VCF-style: chr22-36705315-C-G.
Identifiers: ClinVar variation 180032 (VCV000180032.10), dbSNP rs150539764, ClinGen allele CA185679.